The following is an entry in ClinVar:

NM_024408.4(NOTCH2):c.2225A>G (p.Lys742Arg)

Gene: NOTCH2 (notch receptor 2; minus strand). Cytogenetic location: 1p12.
Variant type: single nucleotide variant.
Coding change: c.2225A>G on transcript NM_024408.4 (MANE Select); coding-DNA position 2225, A replaced by G.
Protein change: p.Lys742Arg; replaces lysine 742 with arginine.
Molecular consequence: missense variant.
Genome position (GRCh38, 1-based): chr1:119,953,683, T>C on the plus strand (A>G on the coding strand, the complement: NOTCH2 is on the minus strand). VCF-style: chr1-119953683-T-C. GRCh37 (hg19) VCF-style: chr1-120496306-T-C.
Other names: c.2225A>G, p.Lys742Arg (NM_001200001.2); short protein forms K742R.
Identifiers: ClinVar variation 2798882 (VCV002798882.3), dbSNP rs782074318, ClinGen allele CA1040350.

ClinVar aggregate classification (germline): Uncertain significance (1 of 4 stars; one submission).

Conditions:
Hajdu-Cheney syndrome (HJCYS). Also called: ACROOSTEOLYSIS WITH OSTEOPOROSIS AND CHANGES IN SKULL AND MANDIBLE; SERPENTINE FIBULA-POLYCYSTIC KIDNEY SYNDROME; Acroosteolysis dominant type. Identifiers: Orphanet 955, MedGen C0917715, MONDO:0007057, OMIM 102500.

Allele frequency attached by ClinVar (database versions not stated): gnomAD exomes below 0.00001; TOPMed below 0.00001; ExAC 0.00001.
gnomAD v4.1: 2 of 1,614,090 alleles (0.00012%); highest among the groups gnomAD compares: Non-Finnish European, 0.00017%; no homozygotes.

Submission:

Labcorp Genetics (formerly Invitae), Labcorp
Classification: Uncertain significance for Hajdu-Cheney syndrome. Last evaluated: 2023-08-07. Review status: criteria provided, single submitter. Criteria: Invitae Variant Classification Sherloc (09022015). Collection method: clinical testing. Allele origin: germline.
Comment: Advanced modeling of protein sequence and biophysical properties (such as structural, functional, and spatial information, amino acid conservation, physicochemical variation, residue mobility, and thermodynamic stability) performed at Invitae indicates that this missense variant is not expected to disrupt NOTCH2 protein function. Algorithms developed to predict the effect of sequence changes on RNA splicing suggest that this variant may create or strengthen a splice site. In summary, the available evidence is currently insufficient to determine the role of this variant in disease. Therefore, it has been classified as a Variant of Uncertain Significance. This variant has not been reported in the literature in individuals affected with NOTCH2-related conditions. This variant is present in population databases (rs782074318, gnomAD 0.002%). This sequence change replaces lysine, which is basic and polar, with arginine, which is basic and polar, at codon 742 of the NOTCH2 protein (p.Lys742Arg).